The following is an entry in ClinVar:

ClinVar aggregate classification (germline): Uncertain significance. Review status: criteria provided, multiple submitters, no conflicts (2 of 4 stars). 3 submissions from 3 submitters: Uncertain significance (3). Last evaluated 2025-08-04.

Conditions:
Hereditary nonpolyposis colorectal neoplasms. Identifiers: MedGen C0009405, MeSH D003123.
Lynch syndrome. Identifiers: Orphanet 144, MedGen C4552100, MONDO:0005835. Disease mechanism: loss of function.
Hereditary cancer-predisposing syndrome. Also called: Hereditary Cancer Syndrome; Hereditary neoplastic syndrome; Neoplastic Syndromes, Hereditary; Tumor predisposition. Identifiers: Orphanet 140162, MedGen C0027672, MeSH D009386, MONDO:0015356.

Submissions (3):

Ambry Genetics
Classification: Uncertain significance for Hereditary cancer-predisposing syndrome. Last evaluated: 2025-08-04. Review status: criteria provided, single submitter. Criteria: Ambry Variant Classification Scheme 2023. Collection method: clinical testing. Allele origin: germline.
Comment: The p.R316G variant (also known as c.946A>G), located in coding exon 4 of the MSH6 gene, results from an A to G substitution at nucleotide position 946. The arginine at codon 316 is replaced by glycine, an amino acid with dissimilar properties. This amino acid position is not well conserved in available vertebrate species. In addition, this alteration is predicted to be tolerated by in silico analysis. Based on the available evidence, the clinical significance of this variant remains unclear.

Labcorp Genetics (formerly Invitae), Labcorp
Classification: Uncertain significance for Hereditary nonpolyposis colorectal neoplasms. Last evaluated: 2025-07-13. Review status: criteria provided, single submitter. Criteria: Invitae Variant Classification Sherloc (09022015). Collection method: clinical testing. Allele origin: germline.
Comment: This sequence change replaces arginine, which is basic and polar, with glycine, which is neutral and non-polar, at codon 316 of the MSH6 protein (p.Arg316Gly). This variant is not present in population databases (gnomAD no frequency). This variant has not been reported in the literature in individuals affected with MSH6-related conditions. ClinVar contains an entry for this variant (Variation ID: 1767051). Invitae Evidence Modeling of protein sequence and biophysical properties (such as structural, functional, and spatial information, amino acid conservation, physicochemical variation, residue mobility, and thermodynamic stability) indicates that this missense variant is not expected to disrupt MSH6 protein function with a negative predictive value of 95%. In summary, the available evidence is currently insufficient to determine the role of this variant in disease. Therefore, it has been classified as a Variant of Uncertain Significance.

All of Us Research Program, National Institutes of Health
Classification: Uncertain significance for Lynch syndrome. Last evaluated: 2023-05-16. Review status: criteria provided, single submitter. Criteria: ACMG Guidelines, 2015. Collection method: clinical testing. Allele origin: germline. Inheritance: Autosomal dominant inheritance. Observed: 1 variant allele, 1 heterozygote.
Comment: This missense variant replaces arginine with glycine at codon 316 of the MSH6 protein. Computational prediction suggests that this variant may not impact protein structure and function (internally defined REVEL score threshold <= 0.5, PMID: 27666373). To our knowledge, functional studies have not been reported for this variant. This variant has not been reported in individuals affected with MSH6-related disorders in the literature. This variant has not been identified in the general population by the Genome Aggregation Database (gnomAD). The available evidence is insufficient to determine the role of this variant in disease conclusively. Therefore, this variant is classified as a Variant of Uncertain Significance.

This study involves interpretation of variants in research participants for the purpose of population health screening. Participant phenotype was not available at the time of variant classification. Additional details can be found in publication PMID: 35346344, PMCID: PMC8962531

NM_000179.3(MSH6):c.946A>G (p.Arg316Gly)

Gene: MSH6 (mutS homolog 6; plus strand). Cytogenetic location: 2p16.3.
Variant type: single nucleotide variant.
Coding change: c.946A>G on transcript NM_000179.3 (MANE Select); coding-DNA position 946, A replaced by G.
Protein change: p.Arg316Gly; replaces arginine 316 with glycine.
Molecular consequence: missense variant.
Genome position (GRCh38, 1-based): chr2:47,798,929, A>G. VCF-style: chr2-47798929-A-G. GRCh37 (hg19) VCF-style: chr2-48026068-A-G.
Other names: c.556A>G, p.Arg186Gly (NM_001281492.2); c.40A>G, p.Arg14Gly (NM_001281493.2, NM_001281494.2, NM_001406811.1 and 6 more transcripts); c.1042A>G, p.Arg348Gly (NM_001406795.1, NM_001406802.1); c.946A>G, p.Arg316Gly (NM_001406796.1, NM_001406798.1, NM_001406800.1 and 4 more transcripts); c.649A>G, p.Arg217Gly (NM_001406797.1, NM_001406801.1, NM_001406805.1 and 10 more transcripts); c.421A>G, p.Arg141Gly (NM_001406799.1, NM_001406806.1, NM_001406807.1); c.868A>G, p.Arg290Gly (NM_001406804.1); c.952A>G, p.Arg318Gly (NM_001406813.1); and 1 more; short protein forms R186G, R14G, R348G, R141G, R260G, R290G, R318G, R217G.
Identifiers: ClinVar variation 1767051 (VCV001767051.7), dbSNP rs2104308143, ClinGen allele CA346740797.